The following is an entry in ClinVar:

NM_000091.5(COL4A3):c.1409-11T>A

Genes: COL4A3 (collagen type IV alpha 3 chain; plus strand), MFF-DT (MFF divergent transcript; minus strand). Cytogenetic location: 2q36.3.
Variant type: single nucleotide variant.
Coding change: c.1409-11T>A on transcript NM_000091.5 (MANE Select); 11 bases into the intron before coding-DNA position 1409, T replaced by A.
Molecular consequence: intron variant.
Genome position (GRCh38, 1-based): chr2:227,266,982, T>A. VCF-style: chr2-227266982-T-A. GRCh37 (hg19) VCF-style: chr2-228131698-T-A.
Identifiers: ClinVar variation 1986690 (VCV001986690.4), dbSNP rs374815961, ClinGen allele CA66634683.

ClinVar aggregate classification (germline): Uncertain significance (1 of 4 stars; one submission).

Allele frequency attached by ClinVar (database versions not stated): TOPMed below 0.00001; ESP Exome Variant Server 0.00008.

Submission:

Labcorp Genetics (formerly Invitae), Labcorp
Classification: Uncertain significance. Last evaluated: 2024-01-18. Review status: criteria provided, single submitter. Criteria: Invitae Variant Classification Sherloc (09022015). Collection method: clinical testing. Allele origin: germline.
Comment: This sequence change falls in intron 22 of the COL4A3 gene. It does not directly change the encoded amino acid sequence of the COL4A3 protein. This variant is not present in population databases (gnomAD no frequency). This variant has not been reported in the literature in individuals affected with COL4A3-related conditions. ClinVar contains an entry for this variant (Variation ID: 1986690). Algorithms developed to predict the effect of sequence changes on RNA splicing suggest that this variant may disrupt the consensus splice site. In summary, the available evidence is currently insufficient to determine the role of this variant in disease. Therefore, it has been classified as a Variant of Uncertain Significance.